The following is an entry in ClinVar:

ClinVar aggregate classification (germline): Uncertain significance. Review status: criteria provided, multiple submitters, no conflicts (2 of 4 stars). 4 submissions from 4 submitters: Uncertain significance (4). Last evaluated 2024-11-21.

Conditions:
Congenital adrenal hyperplasia due to cytochrome P450 oxidoreductase deficiency. Also called: DISORDERED STEROIDOGENESIS DUE TO POR DEFICIENCY. Identifiers: Orphanet 95699, MedGen C1860042, MONDO:0013310, OMIM 613571.

Allele frequency attached by ClinVar (database versions not stated): gnomAD 0.00018 and 0.00058; ESP Exome Variant Server 0.00031; TOPMed 0.00077.
gnomAD v4.1: 379 of 1,612,556 alleles (0.024%); highest among the groups gnomAD compares: Middle Eastern, 0.13%; 2 homozygotes.

Submissions (4):

Blueprint Genetics
Classification: Uncertain significance. Last evaluated: 2024-11-21. Review status: criteria provided, single submitter. Criteria: ACMG Guidelines, 2015. Collection method: clinical testing. Allele origin: germline.

GeneDx
Classification: Uncertain significance. Last evaluated: 2023-06-29. Review status: criteria provided, single submitter. Criteria: GeneDx Variant Classification Process June 2021. Collection method: clinical testing. Allele origin: germline. Affected: yes.
Comment: Reported without a second variant in unrelated patients with hypospadius in published literature (Ea et al., 2021); In silico analysis supports that this missense variant has a deleterious effect on protein structure/function; This variant is associated with the following publications: (PMID: 35802478, 27068427, 33468338)

Labcorp Genetics (formerly Invitae), Labcorp
Classification: Uncertain significance for Congenital adrenal hyperplasia due to cytochrome P450 oxidoreductase deficiency. Last evaluated: 2022-10-25. Review status: criteria provided, single submitter. Criteria: Invitae Variant Classification Sherloc (09022015). Collection method: clinical testing. Allele origin: germline.
Comment: This sequence change replaces threonine, which is neutral and polar, with methionine, which is neutral and non-polar, at codon 372 of the POR protein (p.Thr372Met). This variant is present in population databases (rs367810540, gnomAD 0.04%). This variant has not been reported in the literature in individuals affected with POR-related conditions. ClinVar contains an entry for this variant (Variation ID: 1336032). Algorithms developed to predict the effect of missense changes on protein structure and function (SIFT, PolyPhen-2, Align-GVGD) all suggest that this variant is likely to be disruptive. In summary, the available evidence is currently insufficient to determine the role of this variant in disease. Therefore, it has been classified as a Variant of Uncertain Significance.

Genetic Services Laboratory, University of Chicago
Classification: Uncertain significance. Last evaluated: 2018-06-26. Review status: criteria provided, single submitter. Criteria: ACMG Guidelines, 2015. Collection method: clinical testing. Allele origin: germline. Affected: no.

NM_001395413.1(POR):c.1106C>T (p.Thr369Met)

Gene: POR (cytochrome p450 oxidoreductase; plus strand). Cytogenetic location: 7q11.23.
Variant type: single nucleotide variant.
Coding change: c.1106C>T on transcript NM_001395413.1 (MANE Select); coding-DNA position 1106, C replaced by T.
Protein change: p.Thr369Met; replaces threonine 369 with methionine.
Molecular consequence: missense variant.
Genome position (GRCh38, 1-based): chr7:75,984,825, C>T. VCF-style: chr7-75984825-C-T. GRCh37 (hg19) VCF-style: chr7-75614143-C-T.
Other names: c.1115C>T (NM_000941.2); c.1106C>T, p.Thr369Met (NM_001367562.3, NM_001382657.2, NM_001382658.3 and 2 more transcripts); c.1160C>T, p.Thr387Met (NM_001382655.3); short protein forms T369M, T387M.
Identifiers: ClinVar variation 1336032 (VCV001336032.10), dbSNP rs367810540, ClinGen allele CA4303992.